The following is an entry in ClinVar:

ClinVar aggregate classification (germline): Uncertain significance (1 of 4 stars; one submission).

Conditions:
LAMA2-related muscular dystrophy (LAMA2-RD). Also called: Laminin alpha 2-related dystrophy. Identifiers: MedGen C5679788, MONDO:0100228.

Submission:

Myriad Genetics, Inc.
Classification: Uncertain significance for LAMA2-related muscular dystrophy. Last evaluated: 2026-09-03. Review status: criteria provided, single submitter. Criteria: Myriad Autosomal Dominant, Autosomal Recessive and X-Linked Classification Criteria (2023). Collection method: clinical testing. Allele origin: unknown.
Comment: NM_000426.3(LAMA2):c.9326_9357dup32(P3120Wfs*3) is a frameshift variant classified as a variant of uncertain significance in the context of muscular dystrophy, LAMA2-related. P3120Wfs*3 has not been observed in cases with relevant disease. Relevant functional assessments of this variant are not available in the literature. P3120Wfs*3 has not been observed in referenced population frequency databases. In summary, there is insufficient evidence to classify NM_000426.3(LAMA2):c.9326_9357dup32(P3120Wfs*3) as pathogenic or benign. Please note: this variant was assessed in the context of healthy population screening.

NM_000426.4(LAMA2):c.9326_9357dup (p.Pro3120delinsTrpAsnTer)

Gene: LAMA2 (laminin subunit alpha 2; plus strand). Cytogenetic location: 6q22.33.
Variant type: Duplication.
Coding change: c.9326_9357dup on transcript NM_000426.4 (MANE Select); coding-DNA positions 9326 to 9357, 32 bases duplicated.
Protein change: p.Pro3120delinsTrpAsnTer.
Molecular consequence: nonsense.
Genome position (GRCh38, 1-based): chr6:129,516,304-129,516,335, 32 bases duplicated; duplicating any 32 consecutive bases within chr6:129,516,303-129,516,335 gives the same sequence; the c. name uses the placement nearest the transcript's 3' end. GRCh37 (hg19): chr6:129,837,449-129,837,480.
Other names: c.9314_9345dup, p.Pro3116delinsTrpAsnTer (NM_001079823.2).
Identifiers: ClinVar variation 5004885 (VCV005004885.1).
Genomic context (GRCh38, chr6:129,516,302, plus strand): 5'-CAGATCCCTGAAGCTCACCAAAGGCACAGGCAAGCCACTGGAGGTTAATTTTGCCAAGGC[C>CCTGGAACTGAGGGGCGTTCAACCTGTATCATG]CTGGAACTGAGGGGCGTTCAACCTGTATCATGCCCAGCCAACTAATAAAAATAAGTGTAA-3'